The following is an entry in ClinVar:

ClinVar aggregate classification (germline): Uncertain significance (1 of 4 stars; one submission).

Submission:

Labcorp Genetics (formerly Invitae), Labcorp
Classification: Uncertain significance. Last evaluated: 2023-07-07. Review status: criteria provided, single submitter. Criteria: Invitae Variant Classification Sherloc (09022015). Collection method: clinical testing. Allele origin: germline.
Comment: Algorithms developed to predict the effect of sequence changes on RNA splicing suggest that this variant may disrupt the consensus splice site. In summary, the available evidence is currently insufficient to determine the role of this variant in disease. Therefore, it has been classified as a Variant of Uncertain Significance. ClinVar contains an entry for this variant (Variation ID: 2018410). This variant has not been reported in the literature in individuals affected with MECOM-related conditions. This variant is not present in population databases (gnomAD no frequency). This sequence change falls in intron 8 of the MECOM gene. It does not directly change the encoded amino acid sequence of the MECOM protein.

NM_004991.4(MECOM):c.2578-10T>G

Gene: MECOM (MDS1 and EVI1 complex locus; minus strand). Cytogenetic location: 3q26.2.
Variant type: single nucleotide variant.
Coding change: c.2578-10T>G on transcript NM_004991.4 (MANE Select); 10 bases into the intron before coding-DNA position 2578, T replaced by G.
Molecular consequence: intron variant.
Genome position (GRCh38, 1-based): chr3:169,107,962, A>C on the plus strand (T>G on the coding strand, the complement: MECOM is on the minus strand). VCF-style: chr3-169107962-A-C. GRCh37 (hg19) VCF-style: chr3-168825750-A-C.
Other names: c.2014-10T>G (NM_001205194.2, NM_001366469.2, NM_001105078.4 and 1 more transcripts); c.1605+4825T>G (NM_001366473.2); c.2577+4825T>G (NM_001366466.2); c.1041+4825T>G (NM_001366474.2); c.2013+4825T>G (NM_001164000.2, NM_001366471.2, NM_001366472.2); c.2016+4825T>G (NM_001366470.2, NM_001163999.2); c.2017-10T>G (NM_001366467.2, NM_001366468.2); c.2209-10T>G (NM_001105077.4).
Identifiers: ClinVar variation 2018410 (VCV002018410.4), dbSNP rs777447899, ClinGen allele CA2580069053.